The following is an entry in ClinVar:

NM_000642.3(AGL):c.4164C>G (p.Ala1388=)

Gene: AGL (amylo-alpha-1,6-glucosidase and 4-alpha-glucanotransferase; plus strand). Cytogenetic location: 1p21.2.
Variant type: single nucleotide variant.
Coding change: c.4164C>G on transcript NM_000642.3 (MANE Select); coding-DNA position 4164, C replaced by G.
Protein change: p.Ala1388=; no amino-acid change (alanine 1388 retained).
Molecular consequence: synonymous variant.
Genome position (GRCh38, 1-based): chr1:99,915,391, C>G. VCF-style: chr1-99915391-C-G. GRCh37 (hg19) VCF-style: chr1-100380947-C-G.
Other names: c.4164C>G, p.Ala1388= (NM_000028.3, NM_000643.3, NM_000644.3 and 1 more transcripts); c.4116C>G, p.Ala1372= (NM_000646.3); c.4143C>G, p.Ala1381= (NM_001425326.1); c.3963C>G, p.Ala1321= (NM_001425327.1); c.3960C>G, p.Ala1320= (NM_001425328.1); c.3825C>G, p.Ala1275= (NM_001425329.1); c.3786C>G, p.Ala1262= (NM_001425332.1).
Identifiers: ClinVar variation 387976 (VCV000387976.13), dbSNP rs142809832, ClinGen allele CA967339.
Genomic context (GRCh38, chr1:99,915,391, plus strand): 5'-AGGAACTAATTCTTCTGTGATCTTAAAAATTTGTATATTTGTTTTTGGCATTCACTAGGC[C>G]CCTGAGCTCTTTACTACAGAAAAAGCATGGAAAGCTTTGGAGATTGCAGAAAAAAAATTG-3'
Protein context (NP_000633.2, residues 1378-1398): RPNFTIAMVV[Ala1388=]PELFTTEKAW

ClinVar aggregate classification (germline): Likely benign. Review status: criteria provided, multiple submitters, no conflicts (2 of 4 stars). 4 submissions from 4 submitters: Likely benign (4). Last evaluated 2026-01-16.

Conditions:
Glycogen storage disease type III (GSD3). Also called: Cori disease; FORBES DISEASE. Identifiers: Orphanet 366, MedGen C0017922, MONDO:0009291, OMIM 232400.

Allele frequency attached by ClinVar (database versions not stated): gnomAD 0.00007 and 0.00008; ESP Exome Variant Server 0.00008; gnomAD exomes 0.00010; ExAC 0.00012; TOPMed 0.00015; 1000 Genomes Project 30x 0.00016; 1000 Genomes Project 0.00020.
gnomAD v4.1: 174 of 1,613,114 alleles (0.011%); highest among the groups gnomAD compares: Admixed American, 0.027%; no homozygotes.

Submissions (4):

Labcorp Genetics (formerly Invitae), Labcorp
Classification: Likely benign for Glycogen storage disease type III. Last evaluated: 2026-01-16. Review status: criteria provided, single submitter. Criteria: Invitae Variant Classification Sherloc (09022015). Collection method: clinical testing. Allele origin: germline.

Blueprint Genetics
Classification: Likely benign. Last evaluated: 2024-10-02. Review status: criteria provided, single submitter. Criteria: ACMG Guidelines, 2015. Collection method: clinical testing. Allele origin: germline.

Genome-Nilou Lab
Classification: Likely benign for Glycogen storage disease type III. Last evaluated: 2023-04-11. Review status: criteria provided, single submitter. Criteria: ACMG Guidelines, 2015. Collection method: clinical testing. Allele origin: germline. Affected: no.

GeneDx
Classification: Likely benign. Last evaluated: 2016-07-27. Review status: criteria provided, single submitter. Criteria: GeneDx Variant Classification (06012015). Collection method: clinical testing. Allele origin: germline. Affected: yes.
Comment: This variant is considered likely benign or benign based on one or more of the following criteria: it is a conservative change, it occurs at a poorly conserved position in the protein, it is predicted to be benign by multiple in silico algorithms, and/or has population frequency not consistent with disease.